The following is an entry in ClinVar:

NM_000222.3(KIT):c.508A>G (p.Ile170Val)

Gene: KIT (KIT proto-oncogene, receptor tyrosine kinase; plus strand). Cytogenetic location: 4q12.
Variant type: single nucleotide variant.
Coding change: c.508A>G on transcript NM_000222.3 (MANE Select); coding-DNA position 508, A replaced by G.
Protein change: p.Ile170Val; replaces isoleucine 170 with valine.
Molecular consequence: missense variant.
Genome position (GRCh38, 1-based): chr4:54,698,454, A>G. VCF-style: chr4-54698454-A-G. GRCh37 (hg19) VCF-style: chr4-55564620-A-G.
Other names: c.508A>G, p.Ile170Val (NM_001093772.2, NM_001385284.1, NM_001385285.1 and 4 more transcripts); short protein forms I170V.
Identifiers: ClinVar variation 576316 (VCV000576316.12), dbSNP rs1394659716, ClinGen allele CA356897735.
Genomic context (GRCh38, chr4:54,698,454, plus strand): 5'-GGGTGCCAGGGGAAGCCTCTTCCCAAGGACTTGAGGTTTATTCCTGACCCCAAGGCGGGC[A>G]TCATGATCAAAAGTGTGAAACGCGCCTACCATCGGCTCTGTCTGCATTGTTCTGTGGACC-3'
Protein context (NP_000213.1, residues 160-180): LRFIPDPKAG[Ile170Val]MIKSVKRAYH

ClinVar aggregate classification (germline): Uncertain significance. Review status: criteria provided, multiple submitters, no conflicts (2 of 4 stars). 2 submissions from 2 submitters: Uncertain significance (2). Last evaluated 2025-02-25.

Conditions:
Hereditary cancer-predisposing syndrome. Also called: Hereditary Cancer Syndrome; Tumor predisposition; Neoplastic Syndromes, Hereditary; Hereditary neoplastic syndrome. Identifiers: Orphanet 140162, MedGen C0027672, MeSH D009386, MONDO:0015356.
Gastrointestinal stromal tumor. Also called: Gastrointestinal stromal tumor, somatic; Gastrointestinal stroma tumor. Identifiers: Orphanet 44890, MedGen C0238198, MeSH D046152, MONDO:0011719, OMIM 606764, HP:0100723.

Allele frequency attached by ClinVar (database versions not stated): gnomAD exomes below 0.00001 and 0.00001; TOPMed below 0.00001; gnomAD 0.00001.
gnomAD v4.1: 8 of 1,614,032 alleles (0.0005%); highest among the groups gnomAD compares: African/African-American, 0.004%; no homozygotes.

Submissions (2):

Ambry Genetics
Classification: Uncertain significance for Hereditary cancer-predisposing syndrome. Last evaluated: 2025-02-25. Review status: criteria provided, single submitter. Criteria: Ambry Variant Classification Scheme 2023. Collection method: clinical testing. Allele origin: germline.
Comment: The p.I170V variant (also known as c.508A>G), located in coding exon 3 of the KIT gene, results from an A to G substitution at nucleotide position 508. The isoleucine at codon 170 is replaced by valine, an amino acid with highly similar properties. This amino acid position is highly conserved in available vertebrate species. In addition, this alteration is predicted to be tolerated by in silico analysis. Based on the available evidence, the clinical significance of this variant remains unclear.

Labcorp Genetics (formerly Invitae), Labcorp
Classification: Uncertain significance for Gastrointestinal stromal tumor. Last evaluated: 2024-09-30. Review status: criteria provided, single submitter. Criteria: Invitae Variant Classification Sherloc (09022015). Collection method: clinical testing. Allele origin: germline.
Comment: This sequence change replaces isoleucine, which is neutral and non-polar, with valine, which is neutral and non-polar, at codon 170 of the KIT protein (p.Ile170Val). This variant is present in population databases (no rsID available, gnomAD 0.008%). This variant has not been reported in the literature in individuals affected with KIT-related conditions. ClinVar contains an entry for this variant (Variation ID: 576316). An algorithm developed to predict the effect of missense changes on protein structure and function (PolyPhen-2) suggests that this variant is likely to be disruptive. In summary, the available evidence is currently insufficient to determine the role of this variant in disease. Therefore, it has been classified as a Variant of Uncertain Significance.